The following is an entry in ClinVar:

ClinVar aggregate classification (germline): Uncertain significance (1 of 4 stars; one submission).

gnomAD v4.1: 3 of 1,210,869 alleles (0.00025%); highest among the groups gnomAD compares: Non-Finnish European, 0.00022%; no homozygotes.

Submissions (2):

GeneDx
Classification: Uncertain significance. Last evaluated: 2023-07-03. Review status: criteria provided, single submitter. Criteria: GeneDx Variant Classification Process June 2021. Collection method: clinical testing. Allele origin: germline. Affected: yes.
Comment: Not observed at significant frequency in large population cohorts (gnomAD); In silico analysis supports that this missense variant has a deleterious effect on protein structure/function; In silico analysis supports a deleterious effect on splicing; Has not been previously published as pathogenic or benign to our knowledge

Dr. Peter K. Rogan Lab, Western University
No classification provided (evidence only). Condition: Thyroid cancer, nonmedullary, 1. Review status: no classification provided. Collection method: in vitro. Allele origin: not applicable. Functional consequence: retained intron. Not counted in ClinVar's aggregate classification.

NM_181303.2(NLGN3):c.713G>A (p.Arg238Gln)

Gene: NLGN3 (neuroligin 3; plus strand). Cytogenetic location: Xq13.1.
Variant type: single nucleotide variant.
Coding change: c.713G>A on transcript NM_181303.2 (MANE Select); coding-DNA position 713, G replaced by A.
Protein change: p.Arg238Gln; replaces arginine 238 with glutamine.
Molecular consequence: missense variant.
Genome position (GRCh38, 1-based): chrX:71,155,349, G>A. VCF-style: chrX-71155349-G-A. GRCh37 (hg19) VCF-style: chrX-70375199-G-A.
Other names: NC_000023.10:g.70375199G>A; c.593G>A, p.Arg198Gln (NM_001166660.2); c.302G>A, p.Arg101Gln (NM_001321276.2); c.653G>A, p.Arg218Gln (NM_018977.4); short protein forms R101Q, R198Q, R218Q, R238Q.
Identifiers: ClinVar variation 3360811 (VCV003360811.2).
Genomic context (GRCh38, chrX:71,155,349, plus strand): 5'-TGATTGATGGCAGCATCCTCGCCAGTTATGGCAATGTCATCGTCATCACCCTCAACTATC[G>A]GGTTGGAGTGCTAGGTATGGTTCCCTGCCTGGTGCCTGGAAGGAAGACTGGCTTCGCAAG-3'
Protein context (NP_851820.1, residues 228-248): GNVIVITLNY[Arg238Gln]VGVLGFLSTG